The following is an entry in ClinVar:

ClinVar aggregate classification (germline): Conflicting classifications of pathogenicity. Review status: criteria provided, conflicting classifications (1 of 4 stars). 14 submissions from 12 submitters: Pathogenic (1); Likely pathogenic (6); Uncertain significance (6). 1 of the submissions does not count toward it. Last evaluated 2026-04-28.

Conditions:
CFTR-related disorder (CFTR-RD). Also called: CFTR-related disorders; CFTR-related condition. Identifiers: MedGen C5924204, MONDO:7770004.
Cystic fibrosis (CF). Also called: MUCOVISCIDOSIS. Identifiers: Orphanet 586, MedGen C0010674, MONDO:0009061, OMIM 219700. Disease mechanism: loss of function.
Congenital bilateral aplasia of vas deferens from CFTR mutation (CBAVD). Identifiers: Orphanet 48, MedGen C0403814, MONDO:0010178, OMIM 277180. Disease mechanism: loss of function.
Bronchiectasis with or without elevated sweat chloride 1 (BESC1). Also called: Cystic Fibrosis-Like Syndrome. Identifiers: Orphanet 60033, MedGen C2749757, MONDO:0008887, OMIM 211400.

Allele frequency attached by ClinVar (database versions not stated): TOPMed below 0.00001; ExAC 0.00001; gnomAD 0.00001; gnomAD exomes 0.00002.
gnomAD v4.1: 28 of 1,603,458 alleles (0.0017%); highest among the groups gnomAD compares: Non-Finnish European, 0.0024%; no homozygotes.

Submissions (14):

Ambry Genetics
Classification: Uncertain significance for Cystic fibrosis. Last evaluated: 2026-04-28. Review status: criteria provided, single submitter. Criteria: Ambry Variant Classification Scheme 2023. Collection method: clinical testing. Allele origin: germline.
Comment: The p.F575Y variant (also known as c.1724T>A), located in coding exon 13 of the CFTR gene, results from a T to A substitution at nucleotide position 1724. The phenylalanine at codon 575 is replaced by tyrosine, an amino acid with highly similar properties. This variant was first reported in an infant with borderline sweat tests in conjunction with p.R117H; however, phase information was not provided (Sontag MK, et al. J. Pediatr. 2005 Sep; 147(3 Suppl):S83-8). In addition, this variant was identified in an individual with pancreatitis in trans with p.F508del (Keiles S, et al. Pancreas. 2006 Oct; 33(3):221-7). Experimental studies show that this alteration reduces CFTR function compared to wild type (Raraigh KS et al. Am J Hum Genet, 2018 06;102:1062-1077; Bihler H et al. J Cyst Fibros, 2024 Jul;23:664-675). This amino acid position is highly conserved in available vertebrate species. In addition, this alteration is predicted to be deleterious by in silico analysis. Based on the available evidence, the clinical significance of this variant remains unclear.

Women's Health and Genetics/Laboratory Corporation of America, LabCorp
Classification: Likely pathogenic for Cystic fibrosis. Last evaluated: 2025-10-27. Review status: criteria provided, single submitter. Criteria: LabCorp Variant Classification Summary - May 2015. Collection method: clinical testing. Allele origin: germline.
Comment: Variant summary: CFTR c.1724T>A (p.Phe575Tyr) results in a conservative amino acid change located in the ATP-binding domain (IPR009147) of the encoded protein sequence. Algorithms developed to predict the effect of missense changes on protein structure and function are either unavailable or do not agree on the potential impact of this missense change. The variant allele was found at a frequency of 1.6e-05 in 250402 control chromosomes. c.1724T>A has been observed in compound heterozygous individual(s) affected with recurrent pancreatitis and unspecified CFTR-Related disease phenotypes, who carried the common pathogenic variant p.Phe508del in trans (Keiles_2006, McCague_2019). These data indicate that the variant is likely to be associated with disease. At least one publication reports experimental evidence evaluating an impact on protein function. The most pronounced variant effect resulted in approximately 26% of normal chloride channel conductance relative to wild type (e.g., Bihler_2024). The following publications have been ascertained in the context of this evaluation (PMID: 38388235, 17003641, 30888834, 29805046). ClinVar contains an entry for this variant (Variation ID: 619674). Based on the evidence outlined above, the variant was classified as likely pathogenic.

Natera, Inc.
Classification: Likely pathogenic for CFTR-related disorders. Last evaluated: 2025-10-13. Review status: criteria provided, single submitter. Criteria: Natera Variant Classification Schema (03/2026). Collection method: clinical testing. Allele origin: germline.
Comment: The c.1724T>A variant in CFTR is a missense variant predicted to cause substitution of phenylalanine to tyrosine at amino acid 575. This variant is rare in the general population with a frequency below the threshold expected for the associated phenotype(s). This variant has been observed in one or more individuals affected with the associated recessive disease, as either homozygous or compound heterozygous with a second variant (PMID: 30888834). This variant has been identified in one or more affected individuals with a phenotype highly consistent with the associated gene (PMID: 30888834). Functional studies show that this variant may disrupt protein function (PMID: 29805046). Computational prediction algorithms indicate this variant is likely to affect gene or protein function. Given the available evidence, this variant is classified as Likely Pathogenic.

Labcorp Genetics (formerly Invitae), Labcorp
Classification: Likely pathogenic for Cystic fibrosis. Last evaluated: 2025-09-02. Review status: criteria provided, single submitter. Criteria: Invitae Variant Classification Sherloc (09022015). Collection method: clinical testing. Allele origin: germline.
Comment: This sequence change replaces phenylalanine, which is neutral and non-polar, with tyrosine, which is neutral and polar, at codon 575 of the CFTR protein (p.Phe575Tyr). This variant is present in population databases (rs773569201, gnomAD 0.003%). This missense change has been observed in individual(s) with clinical features of CFTR-related conditions (PMID: 16202790, 17003641, 28194692, 30888834; internal data). In at least one individual the data is consistent with being in trans (on the opposite chromosome) from a pathogenic variant. It has also been observed to segregate with disease in related individuals. ClinVar contains an entry for this variant (Variation ID: 619674). Invitae Evidence Modeling of protein sequence and biophysical properties (such as structural, functional, and spatial information, amino acid conservation, physicochemical variation, residue mobility, and thermodynamic stability) indicates that this missense variant is expected to disrupt CFTR protein function with a positive predictive value of 80%. Experimental studies have shown that this missense change affects CFTR function (PMID: 29805046). In summary, the currently available evidence indicates that the variant is pathogenic, but additional data are needed to prove that conclusively. Therefore, this variant has been classified as Likely Pathogenic.

GeneDx
Classification: Likely pathogenic. Last evaluated: 2025-03-13. Review status: criteria provided, single submitter. Criteria: GeneDx Variant Classification Process June 2021. Collection method: clinical testing. Allele origin: germline. Affected: yes.
Comment: Classified as a variant of varying clinical consequence in a well-curated database (CFTR2); Published functional studies demonstrate reduced chloride conductance (PMID: 29805046); Not observed at significant frequency in large population cohorts (gnomAD); In silico analysis indicates that this missense variant does not alter protein structure/function; This variant is associated with the following publications: (PMID: 17003641, 28194692, 30888834, 34405919, 39553608, 38515211, 16202790, 29805046)

Baylor Genetics
Classification: Likely pathogenic for Bronchiectasis with or without elevated sweat chloride 1. Last evaluated: 2024-02-26. Review status: criteria provided, single submitter. Criteria: ACMG Guidelines, 2015. Collection method: clinical testing. Allele origin: unknown.

ARUP Laboratories, Molecular Genetics and Genomics, ARUP Laboratories
Classification: Likely pathogenic. Last evaluated: 2023-06-12. Review status: criteria provided, single submitter. Criteria: ARUP Molecular Germline Variant Investigation Process 2024. Collection method: clinical testing. Allele origin: germline.
Comment: The CFTR c.1724T>A; p.Phe575Tyr variant (rs773569201) is reported in the literature in multiple individuals affected with pancreatitis and unspecified CFTR-related disorders who also carried pathogenic variant F508del and was confirmed in trans in at least one case (Keiles 2006, McCague 2019). This variant along with R117H has also been reported in an individual with borderline sweat chloride levels who was receiving treatment for CFTR-related disorders (Sontag 2005). This variant is reported in ClinVar (Variation ID: 619674) and is found in the non-Finnish European population with an allele frequency of 0.003% (3/113216 alleles) in the Genome Aggregation Database. Functional analyses of the variant protein demonstrated activity of ~17% of wildtype (McCague 2019, Raraigh 2018). Computational analyses predict that this variant is deleterious (REVEL: 0.868). Based on available information, this variant is considered to be likely pathogenic- mild. References: Keiles S et al. Identification of CFTR, PRSS1, and SPINK1 mutations in 381 patients with pancreatitis. Pancreas. 2006 Oct;33(3):221-7. PMID: 17003641. McCague AF et al. Correlating Cystic Fibrosis Transmembrane Conductance Regulator Function with Clinical Features to Inform Precision Treatment of Cystic Fibrosis. Am J Respir Crit Care Med. 2019 May 1;199(9):1116-1126. PMID: 30888834. Raraigh KS et al. Functional Assays Are Essential for Interpretation of Missense Variants Associated with Variable Expressivity. Am J Hum Genet. 2018 Jun 7;102(6):1062-1077. PMID: 29805046. Sontag MK et al. Two-tiered immunoreactive trypsinogen-based newborn screening for cystic fibrosis in Colorado: screening efficacy and diagnostic outcomes. J Pediatr. 2005 Sep;147(3 Suppl):S83-8. PMID: 16202790.

Blueprint Genetics
Classification: Uncertain significance. Last evaluated: 2022-11-23. Review status: criteria provided, single submitter. Criteria: ACMG Guidelines, 2015. Collection method: clinical testing. Allele origin: germline.

Genome-Nilou Lab
Classification: Uncertain significance for Cystic fibrosis. Last evaluated: 2021-07-22. Review status: criteria provided, single submitter. Criteria: ACMG Guidelines, 2015. Collection method: clinical testing. Allele origin: germline. Affected: no.

Genome-Nilou Lab
Classification: Uncertain significance for Congenital bilateral aplasia of vas deferens from CFTR mutation. Last evaluated: 2021-07-22. Review status: criteria provided, single submitter. Criteria: ACMG Guidelines, 2015. Collection method: clinical testing. Allele origin: germline. Affected: no.

Genome Diagnostics Laboratory, The Hospital for Sick Children
Classification: Uncertain significance for Cystic fibrosis. Last evaluated: 2021-03-19. Review status: criteria provided, single submitter. Criteria: ACMG Guidelines, 2015. Collection method: clinical testing. Allele origin: germline.

Quest Diagnostics Nichols Institute San Juan Capistrano
Classification: Uncertain significance. Last evaluated: 2020-01-10. Review status: criteria provided, single submitter. Criteria: Quest Diagnostics criteria. Collection method: clinical testing. Allele origin: unknown.

Johns Hopkins Genomics, Johns Hopkins University
Classification: Pathogenic for Cystic fibrosis. Last evaluated: 2019-12-16. Review status: criteria provided, single submitter. Criteria: ACMG Guidelines, 2015. Collection method: clinical testing. Allele origin: germline.
Comment: CFTR variant associated with variable clinical consequences. See CFTR2 for phenotype information.

Genome Diagnostics Laboratory, The Hospital for Sick Children
Classification: Likely pathogenic for CFTR-related disorders. Last evaluated: 2021-03-19. Review status: no assertion criteria provided. Collection method: clinical testing. Allele origin: germline. Not counted in ClinVar's aggregate classification.

Literature cited by the submitters: PubMed 16202790 (cited by 3 submitters); PubMed 17003641 (cited by 4 submitters); PubMed 29805046 (cited by 5 submitters); PubMed 38388235 (cited by Ambry Genetics and Women's Health and Genetics/Laboratory Corporation of America, LabCorp); PubMed 30888834 (cited by 3 submitters); PubMed 28194692 (cited by Labcorp Genetics (formerly Invitae), Labcorp and Quest Diagnostics Nichols Institute San Juan Capistrano).

NM_000492.4(CFTR):c.1724T>A (p.Phe575Tyr)

Gene: CFTR (CF transmembrane conductance regulator; plus strand). Cytogenetic location: 7q31.2.
Variant type: single nucleotide variant.
Coding change: c.1724T>A on transcript NM_000492.4 (MANE Select); coding-DNA position 1724, T replaced by A.
Protein change: p.Phe575Tyr; replaces phenylalanine 575 with tyrosine.
Molecular consequence: missense variant.
Genome position (GRCh38, 1-based): chr7:117,590,397, T>A. VCF-style: chr7-117590397-T-A. GRCh37 (hg19) VCF-style: chr7-117230451-T-A.
Other names: short protein forms F575Y.
Identifiers: ClinVar variation 619674 (VCV000619674.29), dbSNP rs773569201, ClinGen allele CA4451072.
Genomic context (GRCh38, chr7:117,590,397, plus strand): 5'-TCCATTTTCTTTTTAGAGCAGTATACAAAGATGCTGATTTGTATTTATTAGACTCTCCTT[T>A]TGGATACCTAGATGTTTTAACAGAAAAAGAAATATTTGAAAGGTATGTTCTTTGAATACC-3'
Protein context (NP_000483.3, residues 565-585): DADLYLLDSP[Phe575Tyr]GYLDVLTEKE